The following is an entry in ClinVar:

ClinVar aggregate classification (germline): Pathogenic (1 of 4 stars; one submission).

Submission:

Labcorp Genetics (formerly Invitae), Labcorp
Classification: Pathogenic. Last evaluated: 2023-04-06. Review status: criteria provided, single submitter. Criteria: Invitae Variant Classification Sherloc (09022015). Collection method: clinical testing. Allele origin: germline.
Comment: This sequence change creates a premature translational stop signal (p.Asp441Leufs*21) in the FOXP1 gene. It is expected to result in an absent or disrupted protein product. Loss-of-function variants in FOXP1 are known to be pathogenic (PMID: 28735298). This variant is not present in population databases (gnomAD no frequency). This variant has not been reported in the literature in individuals affected with FOXP1-related conditions. For these reasons, this variant has been classified as Pathogenic.

Literature cited by the submitters: PubMed 28735298.

NM_001349338.3(FOXP1):c.1317_1320dup (p.Asp441fs)

Gene: FOXP1 (forkhead box P1; minus strand). Cytogenetic location: 3p13.
Variant type: Duplication.
Coding change: c.1317_1320dup on transcript NM_001349338.3 (MANE Select); coding-DNA positions 1317 to 1320, 4 bases duplicated (CTCA; older notation c.1317_1320dupCTCA).
Protein change: p.Asp441fs; shifts the reading frame from aspartic acid 441.
Molecular consequence: frameshift variant. On other transcripts: non-coding transcript variant (2).
Genome position (GRCh38, 1-based): chr3:70,977,856-70,977,859, TGAG duplicated on the plus strand (CTCA on the coding strand, the reverse complement: FOXP1 is on the minus strand); duplicating any 4 consecutive bases within chr3:70,977,856-70,977,860 gives the same sequence; the c. name uses the placement nearest the transcript's 3' end. VCF-style (leftmost placement, unchanged base first): chr3-70977855-C-CTGAG. GRCh37 (hg19) VCF-style: chr3-71027006-C-CTGAG.
Other names: c.1317_1320dup, p.Asp441fs (NM_001244808.3, NM_001244810.2, NM_001244814.3 and 3 more transcripts); c.1089_1092dup, p.Asp365fs (NM_001244812.3); c.1017_1020dup, p.Asp341fs (NM_001244813.3, NM_001244815.2, NM_001349342.3 and 1 more transcripts); c.1014_1017dup, p.Asp340fs (NM_001349337.2, NM_001349343.3, NM_001349344.3); c.1316_1319dup, p.Asp441Leufs (NM_001349339.1); c.1314_1317dup, p.Asp440fs (NM_001349341.3); short protein forms D340fs, D341fs, D365fs, D440fs, D441fs.
Identifiers: ClinVar variation 2852785 (VCV002852785.3), dbSNP rs2545122831, ClinGen allele CA2739279227.